The following is an entry in ClinVar:

ClinVar aggregate classification (germline): Uncertain significance (1 of 4 stars; one submission).

gnomAD v4.1: 1 of 1,613,462 alleles (0.000062%); highest among the groups gnomAD compares: South Asian, 0.0011%; no homozygotes.

Submission:

Labcorp Genetics (formerly Invitae), Labcorp
Classification: Uncertain significance. Last evaluated: 2025-01-14. Review status: criteria provided, single submitter. Criteria: Invitae Variant Classification Sherloc (09022015). Collection method: clinical testing. Allele origin: germline.
Comment: This sequence change replaces threonine, which is neutral and polar, with methionine, which is neutral and non-polar, at codon 37 of the LYN protein (p.Thr37Met). This variant is not present in population databases (gnomAD no frequency). This variant has not been reported in the literature in individuals affected with LYN-related conditions. An algorithm developed to predict the effect of missense changes on protein structure and function (PolyPhen-2) suggests that this variant is likely to be disruptive. Algorithms developed to predict the effect of sequence changes on RNA splicing suggest that this variant may disrupt the consensus splice site. In summary, the available evidence is currently insufficient to determine the role of this variant in disease. Therefore, it has been classified as a Variant of Uncertain Significance.

NM_002350.4(LYN):c.110C>T (p.Thr37Met)

Gene: LYN (LYN proto-oncogene, Src family tyrosine kinase; plus strand). Cytogenetic location: 8q12.1.
Variant type: single nucleotide variant.
Coding change: c.110C>T on transcript NM_002350.4 (MANE Select); coding-DNA position 110, C replaced by T.
Protein change: p.Thr37Met; replaces threonine 37 with methionine.
Molecular consequence: missense variant. On other transcripts: intron variant (1).
Genome position (GRCh38, 1-based): chr8:55,941,969, C>T. VCF-style: chr8-55941969-C-T. GRCh37 (hg19) VCF-style: chr8-56854528-C-T.
Other names: c.69+41C>T (NM_001111097.3); short protein forms T37M.
Identifiers: ClinVar variation 3693731 (VCV003693731.2).
Genomic context (GRCh38, chr8:55,941,969, plus strand): 5'-TAGATTTGAAGACTCAACCAGTACGTAATACTGAAAGAACTATTTATGTGAGAGATCCAA[C>T]GTCCAATAAACAGCAAAGGCCAGTAAGTAGATAGTCTCAGGGGAGAATTCCCACAGCAAG-3'
Protein context (NP_002341.1, residues 27-47): TERTIYVRDP[Thr37Met]SNKQQRPVPE